The following is an entry in ClinVar:

ClinVar aggregate classification (germline): Uncertain significance (1 of 4 stars; one submission).

Conditions:
Glycogen storage disease type III (GSD3). Also called: Cori disease; FORBES DISEASE. Identifiers: Orphanet 366, MedGen C0017922, MONDO:0009291, OMIM 232400.

Submission:

Labcorp Genetics (formerly Invitae), Labcorp
Classification: Uncertain significance for Glycogen storage disease type III. Last evaluated: 2025-01-27. Review status: criteria provided, single submitter. Criteria: Invitae Variant Classification Sherloc (09022015). Collection method: clinical testing. Allele origin: germline.
Comment: This sequence change replaces glycine, which is neutral and non-polar, with aspartic acid, which is acidic and polar, at codon 89 of the AGL protein (p.Gly89Asp). This variant is not present in population databases (gnomAD no frequency). This variant has not been reported in the literature in individuals affected with AGL-related conditions. ClinVar contains an entry for this variant (Variation ID: 1924957). Invitae Evidence Modeling of protein sequence and biophysical properties (such as structural, functional, and spatial information, amino acid conservation, physicochemical variation, residue mobility, and thermodynamic stability) indicates that this missense variant is expected to disrupt AGL protein function with a positive predictive value of 80%. In summary, the available evidence is currently insufficient to determine the role of this variant in disease. Therefore, it has been classified as a Variant of Uncertain Significance.

NM_000642.3(AGL):c.266G>A (p.Gly89Asp)

Gene: AGL (amylo-alpha-1,6-glucosidase and 4-alpha-glucanotransferase; plus strand). Cytogenetic location: 1p21.2.
Variant type: single nucleotide variant.
Coding change: c.266G>A on transcript NM_000642.3 (MANE Select); coding-DNA position 266, G replaced by A.
Protein change: p.Gly89Asp; replaces glycine 89 with aspartic acid.
Molecular consequence: missense variant.
Genome position (GRCh38, 1-based): chr1:99,861,686, G>A. VCF-style: chr1-99861686-G-A. GRCh37 (hg19) VCF-style: chr1-100327242-G-A.
Other names: c.266G>A, p.Gly89Asp (NM_000028.3, NM_000643.3, NM_000644.3 and 5 more transcripts); c.218G>A, p.Gly73Asp (NM_000646.3); short protein forms G89D, G73D.
Identifiers: ClinVar variation 1924957 (VCV001924957.5), dbSNP rs2524493112, ClinGen allele CA341329983.
Genomic context (GRCh38, chr1:99,861,686, plus strand): 5'-ATCCAACAGAAAGAGAAGATGATTCTGATAAATACTGTAAACTTAATCTGCAACAATCTG[G>A]TTCATTTCAGTATTATTTCCTTCAAGGGTAAGTCAGGTGTTTTGTTTGTGAGAAAAAAAG-3'
Protein context (NP_000633.2, residues 79-99): KYCKLNLQQS[Gly89Asp]SFQYYFLQGN